The following is an entry in ClinVar:

NM_207037.2(TCF12):c.1924del (p.Ile643fs)

Gene: TCF12 (transcription factor 12; plus strand). Cytogenetic location: 15q21.3.
Variant type: Deletion.
Coding change: c.1924del on transcript NM_207037.2 (MANE Select); coding-DNA position 1924, one base deleted (C; older notation c.1924delC).
Protein change: p.Ile643fs; shifts the reading frame from isoleucine 643.
Molecular consequence: frameshift variant.
Genome position (GRCh38, 1-based): chr15:57,273,208, C deleted; the last of 2 consecutive C bases (chr15:57,273,207-57,273,208); deleting either gives the same sequence. VCF-style (leftmost placement, unchanged base first): chr15-57273206-TC-T. GRCh37 (hg19) VCF-style: chr15-57565404-TC-T.
Other names: c.1414del, p.Ile473fs (NM_001306219.3); c.1144del, p.Ile383fs (NM_001306220.3); c.1924del, p.Ile643fs (NM_001322151.2, NM_001322159.3, NM_001322162.2 and 1 more transcripts); c.1921del, p.Ile642fs (NM_001322152.2, NM_001322161.2); c.1267del, p.Ile424fs (NM_001322154.2); c.1750del, p.Ile585fs (NM_001322156.2); c.1852del, p.Ile619fs (NM_001322157.3, NM_001322165.2, NM_003205.4 and 1 more transcripts); c.1678del, p.Ile561fs (NM_001322158.2); and 2 more; short protein forms I383fs, I424fs, I449fs, I473fs, I561fs, I585fs, I619fs, I631fs.
Identifiers: ClinVar variation 3382735 (VCV003382735.2).

ClinVar aggregate classification (germline): Likely pathogenic (1 of 4 stars; one submission).

Conditions:
TCF12-related craniosynostosis. Also called: Craniosynostosis 3. Identifiers: Orphanet 35098, Orphanet 35099, Orphanet 672979, MedGen C3715051, MONDO:0014128, OMIM 615314.
Hypogonadotropic hypogonadism 26 with or without anosmia (HH26). Identifiers: MedGen C5676903, MONDO:0030534, OMIM 619718.

Submission:

Juno Genomics, Hangzhou Juno Genomics, Inc
Classification: Likely pathogenic for TCF12-related craniosynostosis; Hypogonadotropic hypogonadism 26 with or without anosmia. Review status: criteria provided, single submitter. Criteria: ACMG Guidelines, 2015. Collection method: clinical testing. Allele origin: germline. Affected: yes.
Comment: Absent from controls (or at extremely low frequency if recessive) in Genome Aggregation Database, Exome Sequencing Project, 1000 Genomes Project, or Exome Aggregation Consortium.;Null variant in a gene where loss of function (LOF) is a known mechanism of disease.